The following is an entry in ClinVar:

ClinVar aggregate classification (germline): Uncertain significance. Review status: criteria provided, multiple submitters, no conflicts (2 of 4 stars). 2 submissions from 2 submitters: Uncertain significance (2). Last evaluated 2025-11-20.

Conditions:
Inborn genetic diseases. Identifiers: MedGen C0950123, MeSH D030342.

Allele frequency attached by ClinVar (database versions not stated): gnomAD exomes 0.00001 and 0.00002; ExAC 0.00002; gnomAD 0.00007; ESP Exome Variant Server 0.00008; TOPMed 0.00008.

Submissions (2):

Ambry Genetics
Classification: Uncertain significance for Inborn genetic diseases. Last evaluated: 2025-11-20. Review status: criteria provided, single submitter. Criteria: Ambry Variant Classification Scheme 2023. Collection method: clinical testing. Allele origin: germline.

Labcorp Genetics (formerly Invitae), Labcorp
Classification: Uncertain significance. Last evaluated: 2024-11-14. Review status: criteria provided, single submitter. Criteria: Invitae Variant Classification Sherloc (09022015). Collection method: clinical testing. Allele origin: germline.
Comment: This sequence change replaces arginine, which is basic and polar, with histidine, which is basic and polar, at codon 169 of the LBR protein (p.Arg169His). This variant is present in population databases (rs375181558, gnomAD 0.03%). This variant has not been reported in the literature in individuals affected with LBR-related conditions. ClinVar contains an entry for this variant (Variation ID: 1427093). Invitae Evidence Modeling of protein sequence and biophysical properties (such as structural, functional, and spatial information, amino acid conservation, physicochemical variation, residue mobility, and thermodynamic stability) indicates that this missense variant is not expected to disrupt LBR protein function with a negative predictive value of 80%. In summary, the available evidence is currently insufficient to determine the role of this variant in disease. Therefore, it has been classified as a Variant of Uncertain Significance.

NM_002296.4(LBR):c.506G>A (p.Arg169His)

Gene: LBR (lamin B receptor; minus strand). Cytogenetic location: 1q42.12.
Variant type: single nucleotide variant.
Coding change: c.506G>A on transcript NM_002296.4 (MANE Select); coding-DNA position 506, G replaced by A.
Protein change: p.Arg169His; replaces arginine 169 with histidine.
Molecular consequence: missense variant.
Genome position (GRCh38, 1-based): chr1:225,419,397, C>T on the plus strand (G>A on the coding strand, the complement: LBR is on the minus strand). VCF-style: chr1-225419397-C-T. GRCh37 (hg19) VCF-style: chr1-225607099-C-T.
Other names: c.506G>A, p.Arg169His (NM_194442.3); c.506G>A (NM_002296.3); short protein forms R169H.
Identifiers: ClinVar variation 1427093 (VCV001427093.7), dbSNP rs375181558, ClinGen allele CA1417441.